The following is an entry in ClinVar:

ClinVar aggregate classification (germline): Benign/Likely benign. Review status: criteria provided, multiple submitters, no conflicts (2 of 4 stars). 4 submissions from 4 submitters: Benign (1); Likely benign (3). Last evaluated 2026-05-21.

Conditions:
ANKRD26-related disorder. Also called: ANKRD26-related condition.
Inborn genetic diseases. Identifiers: MedGen C0950123, MeSH D030342.

Allele frequency attached by ClinVar (database versions not stated): gnomAD exomes 0.00006 and 0.00023; gnomAD 0.00011 and 0.00015; ExAC 0.00023; TOPMed 0.00029; 1000 Genomes Project 30x 0.00094; 1000 Genomes Project 0.00100.
gnomAD v4.1: 121 of 1,605,672 alleles (0.0075%); highest among the groups gnomAD compares: East Asian, 0.22%; no homozygotes.

Submissions (4):

PreventionGenetics, part of Exact Sciences
Classification: Likely benign for ANKRD26-related condition. Last evaluated: 2026-05-21. Review status: criteria provided, single submitter. Criteria: ACMG Guidelines, 2015. Collection method: clinical testing. Allele origin: germline.
Comment: This variant is classified as likely benign based on ACMG/AMP sequence variant interpretation guidelines (Richards et al. 2015 PMID: 25741868, with internal and published modifications).

Labcorp Genetics (formerly Invitae), Labcorp
Classification: Benign. Last evaluated: 2025-11-02. Review status: criteria provided, single submitter. Criteria: Invitae Variant Classification Sherloc (09022015). Collection method: clinical testing. Allele origin: germline.

Ambry Genetics
Classification: Likely benign for Inborn genetic diseases. Last evaluated: 2024-11-17. Review status: criteria provided, single submitter. Criteria: Ambry Variant Classification Scheme 2023. Collection method: clinical testing. Allele origin: germline.

Genetic Services Laboratory, University of Chicago
Classification: Likely benign. Last evaluated: 2016-10-14. Review status: criteria provided, single submitter. Criteria: ACMG Guidelines, 2015. Collection method: clinical testing. Allele origin: germline. Affected: no.

NM_014915.3(ANKRD26):c.678A>T (p.Ile226=)

Gene: ANKRD26 (ankyrin repeat domain 26; minus strand). Cytogenetic location: 10p12.1.
Variant type: single nucleotide variant.
Coding change: c.678A>T on transcript NM_014915.3 (MANE Select); coding-DNA position 678, A replaced by T.
Protein change: p.Ile226=; no amino-acid change (isoleucine 226 retained).
Molecular consequence: synonymous variant.
Genome position (GRCh38, 1-based): chr10:27,086,570, T>A on the plus strand (A>T on the coding strand, the complement: ANKRD26 is on the minus strand). VCF-style: chr10-27086570-T-A. GRCh37 (hg19) VCF-style: chr10-27375499-T-A.
Other names: c.678A>T, p.Ile226= (NM_001256053.2).
Identifiers: ClinVar variation 434203 (VCV000434203.12), dbSNP rs143421550, ClinGen allele CA5448847.